The following is an entry in ClinVar:

ClinVar aggregate classification (germline): Uncertain significance. Review status: criteria provided, single submitter (1 of 4 stars). 2 submissions from 2 submitters: Uncertain significance (1). 1 of the submissions does not count toward it. Last evaluated 2025-08-10.

Conditions:
NINL-related disorder. Also called: NINL-related condition.

Allele frequency attached by ClinVar (database versions not stated): gnomAD exomes 0.00014; ExAC 0.00046; gnomAD 0.00135; TOPMed 0.00159; ESP Exome Variant Server 0.00161; 1000 Genomes Project 30x 0.00187; 1000 Genomes Project 0.00220.
gnomAD v4.1: 408 of 1,613,904 alleles (0.025%); highest among the groups gnomAD compares: African/African-American, 0.5%; no homozygotes.

Submissions (2):

Ambry Genetics
Classification: Uncertain significance. Last evaluated: 2025-08-10. Review status: criteria provided, single submitter. Criteria: Ambry Variant Classification Scheme 2023. Collection method: clinical testing. Allele origin: germline.

PreventionGenetics, part of Exact Sciences
Classification: Likely benign for NINL-related condition. Last evaluated: 2022-03-18. Review status: no assertion criteria provided. Collection method: clinical testing. Allele origin: germline. Not counted in ClinVar's aggregate classification.
Comment: This variant is classified as likely benign based on ACMG/AMP sequence variant interpretation guidelines (Richards et al. 2015 PMID: 25741868, with internal and published modifications).

NM_025176.6(NINL):c.3209G>A (p.Arg1070Gln)

Gene: NINL (ninein like; minus strand). Cytogenetic location: 20p11.21.
Variant type: single nucleotide variant.
Coding change: c.3209G>A on transcript NM_025176.6 (MANE Select); coding-DNA position 3209, G replaced by A.
Protein change: p.Arg1070Gln; replaces arginine 1070 with glutamine.
Molecular consequence: missense variant. On other transcripts: intron variant (1).
Genome position (GRCh38, 1-based): chr20:25,476,082, C>T on the plus strand (G>A on the coding strand, the complement: NINL is on the minus strand). VCF-style: chr20-25476082-C-T. GRCh37 (hg19) VCF-style: chr20-25456718-C-T.
Other names: c.3209G>A (NM_025176.4); c.2201+2841G>A (NM_001318226.2); short protein forms R1070Q.
Identifiers: ClinVar variation 3044293 (VCV003044293.3), dbSNP rs34225309, ClinGen allele CA9797070.